The following is an entry in ClinVar:

ClinVar aggregate classification (germline): Uncertain significance (1 of 4 stars; one submission).

gnomAD v4.1: 1 of 1,614,028 alleles (0.000062%); highest among the groups gnomAD compares: Admixed American, 0.0017%; no homozygotes.

Submission:

Labcorp Genetics (formerly Invitae), Labcorp
Classification: Uncertain significance. Last evaluated: 2025-03-04. Review status: criteria provided, single submitter. Criteria: Invitae Variant Classification Sherloc (09022015). Collection method: clinical testing. Allele origin: germline.
Comment: This sequence change replaces glutamine, which is neutral and polar, with proline, which is neutral and non-polar, at codon 703 of the SCN3A protein (p.Gln703Pro). This variant is present in population databases (no rsID available, gnomAD 0.003%). This variant has not been reported in the literature in individuals affected with SCN3A-related conditions. Invitae Evidence Modeling of protein sequence and biophysical properties (such as structural, functional, and spatial information, amino acid conservation, physicochemical variation, residue mobility, and thermodynamic stability) has been performed for this missense variant. However, the output from this modeling did not meet the statistical confidence thresholds required to predict the impact of this variant on SCN3A protein function. In summary, the available evidence is currently insufficient to determine the role of this variant in disease. Therefore, it has been classified as a Variant of Uncertain Significance.

NM_006922.4(SCN3A):c.2108A>C (p.Gln703Pro)

Gene: SCN3A (sodium voltage-gated channel alpha subunit 3; minus strand). Cytogenetic location: 2q24.3.
Variant type: single nucleotide variant.
Coding change: c.2108A>C on transcript NM_006922.4 (MANE Select); coding-DNA position 2108, A replaced by C.
Protein change: p.Gln703Pro; replaces glutamine 703 with proline.
Molecular consequence: missense variant.
Genome position (GRCh38, 1-based): chr2:165,139,520, T>G on the plus strand (A>C on the coding strand, the complement: SCN3A is on the minus strand). VCF-style: chr2-165139520-T-G. GRCh37 (hg19) VCF-style: chr2-165996030-T-G.
Other names: c.1961A>C, p.Gln654Pro (NM_001081676.2, NM_001081677.2); short protein forms Q654P, Q703P.
Identifiers: ClinVar variation 4745732 (VCV004745732.1).